The following is an entry in ClinVar:

NM_006904.7(PRKDC):c.1236C>G (p.Ser412Arg)

Gene: PRKDC (protein kinase, DNA-activated, catalytic subunit; minus strand). Cytogenetic location: 8q11.21.
Variant type: single nucleotide variant.
Coding change: c.1236C>G on transcript NM_006904.7 (MANE Select); coding-DNA position 1236, C replaced by G.
Protein change: p.Ser412Arg; replaces serine 412 with arginine.
Molecular consequence: missense variant.
Genome position (GRCh38, 1-based): chr8:47,936,395, G>C on the plus strand (C>G on the coding strand, the complement: PRKDC is on the minus strand). VCF-style: chr8-47936395-G-C. GRCh37 (hg19) VCF-style: chr8-48848955-G-C.
Other names: c.1236C>G, p.Ser412Arg (NM_001081640.2); short protein forms S412R.
Identifiers: ClinVar variation 3225735 (VCV003225735.1), dbSNP rs371084198, ClinGen allele CA371166127.

ClinVar aggregate classification (germline): Uncertain significance (1 of 4 stars; one submission).

gnomAD v4.1: 1 of 1,613,824 alleles (0.000062%); highest among the groups gnomAD compares: Admixed American, 0.0017%; no homozygotes.

Submission:

Ambry Genetics
Classification: Uncertain significance. Last evaluated: 2023-12-01. Review status: criteria provided, single submitter. Criteria: Ambry Variant Classification Scheme 2023. Collection method: clinical testing. Allele origin: germline.
Comment: The p.S412R variant (also known as c.1236C>G), located in coding exon 12 of the PRKDC gene, results from a C to G substitution at nucleotide position 1236. The serine at codon 412 is replaced by arginine, an amino acid with dissimilar properties. This amino acid position is conserved. In addition, the in silico prediction for this alteration is inconclusive. Since supporting evidence is limited at this time, the clinical significance of this alteration remains unclear.